The following is an entry in ClinVar:

ClinVar aggregate classification (germline): Benign/Likely benign. Review status: criteria provided, multiple submitters, no conflicts (2 of 4 stars). 7 submissions from 7 submitters: Benign (4); Likely benign (1). 2 of the submissions do not count toward it. Last evaluated 2026-02-02.

Conditions:
Arrhythmogenic right ventricular dysplasia 8 (ARVD8). Also called: ARRHYTHMOGENIC RIGHT VENTRICULAR CARDIOMYOPATHY 8; Arrhythmogenic Right Ventricular Dysplasia/Cardiomyopathy 8; ARRHYTHMOGENIC RIGHT VENTRICULAR DYSPLASIA, FAMILIAL, 8. Identifiers: MedGen C1843896, MONDO:0011831, OMIM 607450.
Arrhythmogenic cardiomyopathy with wooly hair and keratoderma. Also called: Carvajal syndrome; Dilated cardiomyopathy with woolly hair and keratoderma; PALMOPLANTAR KERATODERMA WITH LEFT VENTRICULAR CARDIOMYOPATHY AND WOOLLY HAIR; Arrhythmogenic cardiomyopathy with woolly hair and keratoderma. Identifiers: Orphanet 65282, MedGen C1854063, MONDO:0011581, OMIM 605676.

Allele frequency attached by ClinVar (database versions not stated): gnomAD exomes 0.00133; ExAC 0.00162; 1000 Genomes Project 30x 0.00484; 1000 Genomes Project 0.00519; gnomAD 0.00536 and 0.00594; TOPMed 0.00569; ESP Exome Variant Server 0.00700.

Submissions (7):

Labcorp Genetics (formerly Invitae), Labcorp
Classification: Benign for Arrhythmogenic cardiomyopathy with wooly hair and keratoderma; Arrhythmogenic right ventricular dysplasia 8. Last evaluated: 2026-02-02. Review status: criteria provided, single submitter. Criteria: Invitae Variant Classification Sherloc (09022015). Collection method: clinical testing. Allele origin: germline.

ARUP Laboratories, Molecular Genetics and Genomics, ARUP Laboratories
Classification: Benign. Last evaluated: 2025-05-20. Review status: criteria provided, single submitter. Criteria: ARUP Molecular Germline Variant Investigation Process 2024. Collection method: clinical testing. Allele origin: germline.

Blueprint Genetics
Classification: Likely benign. Last evaluated: 2024-10-18. Review status: criteria provided, single submitter. Criteria: ACMG Guidelines, 2015. Collection method: clinical testing. Allele origin: germline.

Women's Health and Genetics/Laboratory Corporation of America, LabCorp
Classification: Benign. Last evaluated: 2019-09-16. Review status: criteria provided, single submitter. Criteria: LabCorp Variant Classification Summary - May 2015. Collection method: clinical testing. Allele origin: germline.
Comment: Variant summary: DSP c.1702-18C>T alters a non-conserved nucleotide located close to a canonical splice site and therefore could affect mRNA splicing, leading to a significantly altered protein sequence. 5/5 computational tools predict no significant impact on normal splicing. However, these predictions have yet to be confirmed by functional studies. The variant allele was found at a frequency of 0.0013 in 251114 control chromosomes, predominantly at a frequency of 0.019 within the African or African-American subpopulation in the gnomAD database, including 5 homozygotes. The observed variant frequency within African or African-American control individuals in the gnomAD database is approximately 760-folds over the estimated maximal expected allele frequency for a pathogenic variant in DSP causing Cardiomyopathy phenotype (2.5e-05), strongly suggesting that the variant is a benign polymorphism found primarily in populations of African or African-American origin. To our knowledge, no occurrence of c.1702-18C>T in individuals affected with Cardiomyopathy and no experimental evidence demonstrating its impact on protein function have been reported. No clinical diagnostic laboratories have submitted clinical-significance assessments for this variant to ClinVar after 2014. Based on the evidence outlined above, the variant was classified as benign.

GeneDx
Classification: Benign. Last evaluated: 2015-03-03. Review status: criteria provided, single submitter. Criteria: GeneDx Variant Classification Process June 2021. Collection method: clinical testing. Allele origin: germline. Affected: yes.

Clinical Genetics DNA and cytogenetics Diagnostics Lab, Erasmus MC, Erasmus Medical Center
Classification: Benign. Review status: no assertion criteria provided. Collection method: clinical testing. Allele origin: germline. Affected: yes. Study: VKGL Data-share Consensus. Not counted in ClinVar's aggregate classification.

Clinical Genetics, Academic Medical Center
Classification: Benign. Review status: no assertion criteria provided. Collection method: clinical testing. Allele origin: germline. Affected: yes. Study: VKGL Data-share Consensus. Not counted in ClinVar's aggregate classification.

NM_004415.4(DSP):c.1702-18C>T

Gene: DSP (desmoplakin; plus strand). Cytogenetic location: 6p24.3.
Variant type: single nucleotide variant.
Coding change: c.1702-18C>T on transcript NM_004415.4 (MANE Select); 18 bases into the intron before coding-DNA position 1702, C replaced by T.
Molecular consequence: intron variant.
Genome position (GRCh38, 1-based): chr6:7,571,365, C>T. VCF-style: chr6-7571365-C-T. GRCh37 (hg19) VCF-style: chr6-7571598-C-T.
Other names: c.1702-18C>T (LRG_423t1, NM_001319034.2, NM_001008844.3).
Identifiers: ClinVar variation 36018 (VCV000036018.27), dbSNP rs148417566, ClinGen allele CA005111.